The following is an entry in ClinVar:

ClinVar aggregate classification (germline): Uncertain significance. Review status: criteria provided, multiple submitters, no conflicts (2 of 4 stars). 2 submissions from 2 submitters: Uncertain significance (2). Last evaluated 2026-01-18.

gnomAD v4.1: 35 of 1,613,102 alleles (0.0022%); highest among the groups gnomAD compares: East Asian, 0.078%; no homozygotes.

Submissions (2):

Labcorp Genetics (formerly Invitae), Labcorp
Classification: Uncertain significance. Last evaluated: 2026-01-18. Review status: criteria provided, single submitter. Criteria: Invitae Variant Classification Sherloc (09022015). Collection method: clinical testing. Allele origin: germline.
Comment: This sequence change replaces glutamic acid, which is acidic and polar, with lysine, which is basic and polar, at codon 1349 of the NIN protein (p.Glu1349Lys). This variant is not present in population databases (gnomAD no frequency). This variant has not been reported in the literature in individuals affected with NIN-related conditions. ClinVar contains an entry for this variant (Variation ID: 4119988). An algorithm developed to predict the effect of missense changes on protein structure and function (PolyPhen-2) suggests that this variant is likely to be tolerated. In summary, the available evidence is currently insufficient to determine the role of this variant in disease. Therefore, it has been classified as a Variant of Uncertain Significance.

Ambry Genetics
Classification: Uncertain significance. Last evaluated: 2025-08-22. Review status: criteria provided, single submitter. Criteria: Ambry Variant Classification Scheme 2023. Collection method: clinical testing. Allele origin: germline.

NM_020921.4(NIN):c.4045G>A (p.Glu1349Lys)

Gene: NIN (ninein; minus strand). Cytogenetic location: 14q22.1.
Variant type: single nucleotide variant.
Coding change: c.4045G>A on transcript NM_020921.4 (MANE Select); coding-DNA position 4045, G replaced by A.
Protein change: p.Glu1349Lys; replaces glutamic acid 1349 with lysine.
Molecular consequence: missense variant. On other transcripts: intron variant (1).
Genome position (GRCh38, 1-based): chr14:50,756,985, C>T on the plus strand (G>A on the coding strand, the complement: NIN is on the minus strand). VCF-style: chr14-50756985-C-T. GRCh37 (hg19) VCF-style: chr14-51223703-C-T.
Other names: c.4045G>A, p.Glu1349Lys (NM_182944.3, NM_182946.2); c.2400-2118G>A (NM_016350.5); short protein forms E1349K.
Identifiers: ClinVar variation 4119988 (VCV004119988.2).